The following is an entry in ClinVar:

ClinVar aggregate classification (germline): Uncertain significance (1 of 4 stars; one submission).

Allele frequency attached by ClinVar (database versions not stated): gnomAD exomes below 0.00001.
gnomAD v4.1: 2 of 1,614,198 alleles (0.00012%); highest among the groups gnomAD compares: Non-Finnish European, 0.00017%; no homozygotes.

Submission:

Labcorp Genetics (formerly Invitae), Labcorp
Classification: Uncertain significance. Last evaluated: 2021-07-21. Review status: criteria provided, single submitter. Criteria: Invitae Variant Classification Sherloc (09022015). Collection method: clinical testing. Allele origin: germline.
Comment: In summary, the available evidence is currently insufficient to determine the role of this variant in disease. Therefore, it has been classified as a Variant of Uncertain Significance. Algorithms developed to predict the effect of missense changes on protein structure and function are either unavailable or do not agree on the potential impact of this missense change (SIFT: "Deleterious"; PolyPhen-2: "Probably Damaging"; Align-GVGD: "Class C0"). This variant has not been reported in the literature in individuals affected with SLC7A14-related conditions. This variant is not present in population databases (ExAC no frequency). This sequence change replaces threonine with proline at codon 69 of the SLC7A14 protein (p.Thr69Pro). The threonine residue is highly conserved and there is a small physicochemical difference between threonine and proline.

NM_020949.3(SLC7A14):c.205A>C (p.Thr69Pro)

Genes: SLC7A14 (solute carrier family 7 member 14; minus strand), SLC7A14-AS1 (SLC7A14 antisense RNA 1; plus strand). Cytogenetic location: 3q26.2.
Variant type: single nucleotide variant.
Coding change: c.205A>C on transcript NM_020949.3 (MANE Select); coding-DNA position 205, A replaced by C.
Protein change: p.Thr69Pro; replaces threonine 69 with proline.
Molecular consequence: missense variant.
Genome position (GRCh38, 1-based): chr3:170,526,732, T>G on the plus strand (A>C on the coding strand, the complement: SLC7A14 is on the minus strand). VCF-style: chr3-170526732-T-G. GRCh37 (hg19) VCF-style: chr3-170244521-T-G.
Other names: short protein forms T69P.
Identifiers: ClinVar variation 1525957 (VCV001525957.8), dbSNP rs2108293707, ClinGen allele CA355520013.
Genomic context (GRCh38, chr3:170,526,732, plus strand): 5'-CAATGACACCAGGTCCTGCCATTTCCTTGGCCACCAGGCCAGAGACCACATACATGCCAG[T>G]GCCCACACAGCTGCCAACGCCAAGAGAGATGAGGTCCACTGTGGTGAGTACCTGGGCTAG-3'
Protein context (NP_066000.2, residues 59-79): ISLGVGSCVG[Thr69Pro]GMYVVSGLVA